The following is an entry in ClinVar:

ClinVar aggregate classification (germline): Uncertain significance. Review status: criteria provided, multiple submitters, no conflicts (2 of 4 stars). 3 submissions from 3 submitters: Uncertain significance (3). Last evaluated 2025-07-29.

Conditions:
Inborn genetic diseases. Identifiers: MedGen C0950123, MeSH D030342.

Allele frequency attached by ClinVar (database versions not stated): ExAC 0.00011; gnomAD exomes 0.00014 and 0.00019; ESP Exome Variant Server 0.00016; gnomAD 0.00016 and 0.00018; TOPMed 0.00017.
gnomAD v4.1: 303 of 1,555,480 alleles (0.019%); highest among the groups gnomAD compares: Non-Finnish European, 0.024%; no homozygotes.

Submissions (3):

Labcorp Genetics (formerly Invitae), Labcorp
Classification: Uncertain significance. Last evaluated: 2025-07-29. Review status: criteria provided, single submitter. Criteria: Invitae Variant Classification Sherloc (09022015). Collection method: clinical testing. Allele origin: germline.
Comment: This sequence change replaces arginine, which is basic and polar, with cysteine, which is neutral and slightly polar, at codon 21 of the SLC26A1 protein (p.Arg21Cys). This variant is present in population databases (rs376882525, gnomAD 0.02%). This variant has not been reported in the literature in individuals affected with SLC26A1-related conditions. ClinVar contains an entry for this variant (Variation ID: 1685125). An algorithm developed to predict the effect of missense changes on protein structure and function (PolyPhen-2) suggests that this variant is likely to be tolerated. In summary, the available evidence is currently insufficient to determine the role of this variant in disease. Therefore, it has been classified as a Variant of Uncertain Significance.

Ambry Genetics
Classification: Uncertain significance for Inborn genetic diseases. Last evaluated: 2022-11-17. Review status: criteria provided, single submitter. Criteria: Ambry Variant Classification Scheme 2023. Collection method: clinical testing. Allele origin: germline.

Mendelics
Classification: Uncertain significance. Last evaluated: 2022-05-04. Review status: criteria provided, single submitter. Criteria: Mendelics Assertion Criteria 2019. Collection method: clinical testing. Allele origin: germline.

NM_022042.4(SLC26A1):c.61C>T (p.Arg21Cys)

Genes: IDUA (alpha-L-iduronidase; plus strand), SLC26A1 (solute carrier family 26 member 1; minus strand). Cytogenetic location: 4p16.3.
Variant type: single nucleotide variant.
Coding change: c.61C>T on transcript NM_022042.4 (MANE Select); coding-DNA position 61, C replaced by T.
Protein change: p.Arg21Cys; replaces arginine 21 with cysteine.
Molecular consequence: missense variant. On other transcripts: intron variant (1).
Genome position (GRCh38, 1-based): chr4:991,643, G>A on the plus strand (C>T on the coding strand, the complement: SLC26A1 is on the minus strand). VCF-style: chr4-991643-G-A. GRCh37 (hg19) VCF-style: chr4-985431-G-A.
Other names: c.61C>T, p.Arg21Cys (NM_134425.4, NM_213613.4); c.299+3694G>A (NM_000203.5); short protein forms R21C.
Identifiers: ClinVar variation 1685125 (VCV001685125.7), dbSNP rs376882525, ClinGen allele CA2801782.
Genomic context (GRCh38, chr4:991,643, plus strand): 5'-ACGAGCAGCTGCACCACAGCCTGGCCTTCAGCATCTCACGCAGACCCCGGGGTGCTGGGC[G>A]CTGCCGTCGGACCGGCACCGGCCCTCTGCCCTGCTGCAGAGGCTCAGGGGACTCGTCCAT-3'
Protein context (NP_071325.2, residues 11-31): GRGPVPVRRQ[Arg21Cys]PAPRGLREML